The following is an entry in ClinVar:

NM_012330.4(KAT6B):c.4103AAG[4] (p.Glu1368_Gly1369insGluGluGlu)

Gene: KAT6B (lysine acetyltransferase 6B; plus strand). Cytogenetic location: 10q22.2.
Variant type: Microsatellite.
Coding change: c.4103AAG[4] on transcript NM_012330.4 (MANE Select); four copies in a row of the 3-base unit AAG starting at c.4103.
Protein change: p.Glu1368_Gly1369insGluGluGlu.
Genome position: GRCh38 VCF-style: chr10-75028925-G-GGAAGAAGAA. GRCh37 (hg19) VCF-style: chr10-76788683-G-GGAAGAAGAA.
Other names: c.3554AAG[4], p.Glu1185_Gly1186insGluGluGlu (NM_001256468.2, NM_001370138.1); c.3227AAG[4], p.Glu1076_Gly1077insGluGluGlu (NM_001256469.2, NM_001370139.1, NM_001370140.1 and 2 more transcripts); c.3065AAG[4], p.Glu1022_Gly1023insGluGluGlu (NM_001370132.1); c.2414AAG[4], p.Glu805_Gly806insGluGluGlu (NM_001370133.1); c.2018AAG[4], p.Glu673_Gly674insGluGluGlu (NM_001370134.1); c.1760AAG[4], p.Glu587_Gly588insGluGluGlu (NM_001370135.1); c.4103AAG[4], p.Glu1368_Gly1369insGluGluGlu (NM_001370136.1, NM_001370137.1); c.3038AAG[4], p.Glu1013_Gly1014insGluGluGlu (NM_001370143.1, NM_001370144.1).
Identifiers: ClinVar variation 4780423 (VCV004780423.1).

ClinVar aggregate classification (germline): Uncertain significance (1 of 4 stars; one submission).

Conditions:
Genitopatellar syndrome (GTPTS). Also called: Genitopatellar syndrome (GPS); ABSENT PATELLAE, SCROTAL HYPOPLASIA, RENAL ANOMALIES, FACIAL DYSMORPHISM, AND MENTAL RETARDATION. Identifiers: Orphanet 85201, MedGen C1853566, MONDO:0011640, OMIM 606170.

Submission:

Labcorp Genetics (formerly Invitae), Labcorp
Classification: Uncertain significance for Genitopatellar syndrome. Last evaluated: 2025-10-07. Review status: criteria provided, single submitter. Criteria: Invitae Variant Classification Sherloc (09022015). Collection method: clinical testing. Allele origin: germline.
Comment: This variant, c.4105_4106insAAGAAGAAG, results in the insertion of 3 amino acid(s) of the KAT6B protein (p.Glu1366_Glu1368dup), but otherwise preserves the integrity of the reading frame. This variant is not present in population databases (gnomAD no frequency). This variant has not been reported in the literature in individuals affected with KAT6B-related conditions. Experimental studies and prediction algorithms are not available or were not evaluated, and the functional significance of this variant is currently unknown. In summary, the available evidence is currently insufficient to determine the role of this variant in disease. Therefore, it has been classified as a Variant of Uncertain Significance.